The following is an entry in ClinVar:

ClinVar aggregate classification (germline): Uncertain significance (1 of 4 stars; one submission).

Conditions:
L-2-hydroxyglutaric aciduria (L2HGA). Identifiers: Orphanet 79314, MedGen C1855995, MONDO:0009370, OMIM 236792, HP:0040144.

gnomAD v4.1: 1 of 1,614,064 alleles (0.000062%); no homozygotes.

Submission:

Neuberg Centre For Genomic Medicine, NCGM
Classification: Uncertain significance for L-2-hydroxyglutaric aciduria. Review status: criteria provided, single submitter. Criteria: ACMG Guidelines, 2015. Collection method: clinical testing. Allele origin: germline. Inheritance: Autosomal recessive inheritance. Affected: yes.
Comment: The missense variant p.P441L in L2HGDH (NM_024884.3) has not been reported previously as a pathogenic variant nor as a benign variant, to our knowledge. The p.P441L variant is novel (not in any individuals) in gnomAD Exomes and is novel (not in any individuals) in 1000 Genomes. There is a moderate physicochemical difference between proline and leucine. The p.P441L missense variant is predicted to be damaging by both SIFT and PolyPhen2. The proline residue at codon 441 of L2HGDH is conserved in all mammalian species. The nucleotide c.1322 in L2HGDH is predicted conserved by GERP++ and PhyloP across 100 vertebrates. For these reasons, this variant has been classified as Uncertain Significance.

NM_024884.3(L2HGDH):c.1322C>T (p.Pro441Leu)

Gene: L2HGDH (L-2-hydroxyglutarate dehydrogenase; minus strand). Cytogenetic location: 14q21.3.
Variant type: single nucleotide variant.
Coding change: c.1322C>T on transcript NM_024884.3 (MANE Select); coding-DNA position 1322, C replaced by T.
Protein change: p.Pro441Leu; replaces proline 441 with leucine.
Molecular consequence: missense variant.
Genome position (GRCh38, 1-based): chr14:50,247,128, G>A on the plus strand (C>T on the coding strand, the complement: L2HGDH is on the minus strand). VCF-style: chr14-50247128-G-A. GRCh37 (hg19) VCF-style: chr14-50713846-G-A.
Other names: short protein forms P441L.
Identifiers: ClinVar variation 2627401 (VCV002627401.1), dbSNP rs2503404921, ClinGen allele CA389647308.